The following is an entry in ClinVar:

NM_022482.5(GZF1):c.824_825inv (p.Gln275Pro)

Gene: GZF1 (GDNF inducible zinc finger protein 1; plus strand). Cytogenetic location: 20p11.21.
Variant type: Inversion.
Coding change: c.824_825inv on transcript NM_022482.5 (MANE Select).
Protein change: p.Gln275Pro; replaces glutamine 275 with proline.
Molecular consequence: missense variant.
Genome position: GRCh38 VCF-style: chr20-23365207-AG-CT. GRCh37 (hg19) VCF-style: chr20-23345844-AG-CT.
Other names: c.824_825inv, p.Gln275Pro (NM_001317012.2, NM_001317019.1); short protein forms Q275P.
Identifiers: ClinVar variation 1517054 (VCV001517054.3), ClinGen allele CA2573156948.
Genomic context (GRCh38, chr20:23,365,207, plus strand): 5'-TGGGGGACTACAGGTGTCCCCAGGACCAAAGCCCGGACAGGGTGGGCACGGAGATGGAGC[AG>CT]GTTTCCAAAAATGAGGGTTGCCAGGCAGGTGCTGAGTTGGAGGAATTGTCAAAGAAAGCA-3'
Protein context (NP_071927.1, residues 265-285): SPDRVGTEME[Gln275Pro]VSKNEGCQAG

ClinVar aggregate classification (germline): Uncertain significance (1 of 4 stars; one submission).

Submission:

Labcorp Genetics (formerly Invitae), Labcorp
Classification: Uncertain significance. Last evaluated: 2021-10-21. Review status: criteria provided, single submitter. Criteria: Invitae Variant Classification Sherloc (09022015). Collection method: clinical testing. Allele origin: germline.
Comment: This sequence change replaces glutamine with proline at codon 275 of the GZF1 protein (p.Gln275Pro). The glutamine residue is weakly conserved and there is a moderate physicochemical difference between glutamine and proline. In summary, the available evidence is currently insufficient to determine the role of this variant in disease. Therefore, it has been classified as a Variant of Uncertain Significance. Algorithms developed to predict the effect of missense changes on protein structure and function are either unavailable or do not agree on the potential impact of this missense change (SIFT: "Not Available"; PolyPhen-2: "Benign"; Align-GVGD: "Not Available"). This variant has not been reported in the literature in individuals affected with GZF1-related conditions. The frequency data for this variant in the population databases is not available, as this variant may be reported as separate entries in the ExAC database.